The following is an entry in ClinVar:

NM_024809.5(TCTN2):c.765-11T>C

Gene: TCTN2 (tectonic family member 2; plus strand). Cytogenetic location: 12q24.31.
Variant type: single nucleotide variant.
Coding change: c.765-11T>C on transcript NM_024809.5 (MANE Select); 11 bases into the intron before coding-DNA position 765, T replaced by C.
Molecular consequence: intron variant.
Genome position (GRCh38, 1-based): chr12:123,688,040, T>C. VCF-style: chr12-123688040-T-C. GRCh37 (hg19) VCF-style: chr12-124172587-T-C.
Other names: c.762-11T>C (NM_001143850.3).
Identifiers: ClinVar variation 2176174 (VCV002176174.1), dbSNP rs199903945, ClinGen allele CA6861003.

ClinVar aggregate classification (germline): Uncertain significance (1 of 4 stars; one submission).

Conditions:
Joubert syndrome. Also called: CEREBELLOPARENCHYMAL DISORDER IV; JOUBERT-BOLTSHAUSER SYNDROME; Familial aplasia of the vermis. Identifiers: Orphanet 475, MedGen C5979921, MONDO:0018772.
Meckel-Gruber syndrome. Also called: DYSENCEPHALIA SPLANCHNOCYSTICA; GRUBER SYNDROME; Dysencephalia splachnocystica. Identifiers: Orphanet 564, MedGen C0265215, MONDO:0018921.

Allele frequency attached by ClinVar (database versions not stated): gnomAD 0.00003; TOPMed 0.00003; gnomAD exomes 0.00005; ExAC 0.00006; ESP Exome Variant Server 0.00008.
gnomAD v4.1: 71 of 1,613,672 alleles (0.0044%); highest among the groups gnomAD compares: Non-Finnish European, 0.0053%; no homozygotes.

Submission:

Labcorp Genetics (formerly Invitae), Labcorp
Classification: Uncertain significance for Joubert syndrome; Meckel-Gruber syndrome. Last evaluated: 2022-06-13. Review status: criteria provided, single submitter. Criteria: Invitae Variant Classification Sherloc (09022015). Collection method: clinical testing. Allele origin: germline.
Comment: This sequence change falls in intron 6 of the TCTN2 gene. It does not directly change the encoded amino acid sequence of the TCTN2 protein. This variant is present in population databases (rs199903945, gnomAD 0.02%). This variant has not been reported in the literature in individuals affected with TCTN2-related conditions. Algorithms developed to predict the effect of sequence changes on RNA splicing suggest that this variant may create or strengthen a splice site. In summary, the available evidence is currently insufficient to determine the role of this variant in disease. Therefore, it has been classified as a Variant of Uncertain Significance.